The following is an entry in ClinVar:

ClinVar aggregate classification (germline): Uncertain significance (1 of 4 stars; one submission).

Submission:

GeneDx
Classification: Uncertain significance. Last evaluated: 2023-06-06. Review status: criteria provided, single submitter. Criteria: GeneDx Variant Classification Process June 2021. Collection method: clinical testing. Allele origin: germline. Affected: yes.
Comment: Not observed at significant frequency in large population cohorts (gnomAD); In silico analysis supports that this missense variant has a deleterious effect on protein structure/function; Has not been previously published as pathogenic or benign to our knowledge

NM_004329.3(BMPR1A):c.1517A>C (p.His506Pro)

Gene: BMPR1A (bone morphogenetic protein receptor type 1A; plus strand). Cytogenetic location: 10q23.2.
Variant type: single nucleotide variant.
Coding change: c.1517A>C on transcript NM_004329.3 (MANE Select); coding-DNA position 1517, A replaced by C.
Protein change: p.His506Pro; replaces histidine 506 with proline.
Molecular consequence: missense variant. On other transcripts: non-coding transcript variant (3).
Genome position (GRCh38, 1-based): chr10:86,923,637, A>C. VCF-style: chr10-86923637-A-C. GRCh37 (hg19) VCF-style: chr10-88683394-A-C.
Other names: c.1592A>C, p.His531Pro (NM_001406559.1); c.1565A>C, p.His522Pro (NM_001406560.1); c.1517A>C, p.His506Pro (NM_001406561.1, NM_001406562.1, NM_001406563.1 and 19 more transcripts); c.1511A>C, p.His504Pro (NM_001406583.1); c.1433A>C, p.His478Pro (NM_001406584.1, NM_001406585.1, NM_001406586.1 and 2 more transcripts); c.1175A>C, p.His392Pro (NM_001406589.1); short protein forms H392P, H478P, H504P, H506P, H522P, H531P.
Identifiers: ClinVar variation 3253073 (VCV003253073.1), dbSNP rs2539651715.